The following is an entry in ClinVar:

ClinVar aggregate classification (germline): Benign. Review status: criteria provided, multiple submitters, no conflicts (2 of 4 stars). 4 submissions from 4 submitters: Benign (4). Last evaluated 2026-02-01.

Conditions:
Retinitis pigmentosa 60 (RP60). Also called: PRPF 6-Related Retinitis Pigmentosa. Identifiers: Orphanet 791, MedGen C3151434, MONDO:0013516, OMIM 613983.
Retinitis pigmentosa (RP). Identifiers: Orphanet 791, MedGen C0035334, MeSH D012174, MONDO:0019200, OMIM 268000. Inheritance: Autosomal dominant, autosomal recessive and X linked inheritance.

Allele frequency attached by ClinVar (database versions not stated): gnomAD exomes 0.00397; ExAC 0.00457; ESP Exome Variant Server 0.01292; gnomAD 0.01319 and 0.01415; 1000 Genomes Project 0.01438; TOPMed 0.01513; 1000 Genomes Project 30x 0.01562.
gnomAD v4.1: 4,824 of 1,614,234 alleles (0.3%); highest among the groups gnomAD compares: African/African-American, 4.4%; 100 homozygotes.

Submissions (4):

Labcorp Genetics (formerly Invitae), Labcorp
Classification: Benign. Last evaluated: 2026-02-01. Review status: criteria provided, single submitter. Criteria: Invitae Variant Classification Sherloc (09022015). Collection method: clinical testing. Allele origin: germline.

Fulgent Genetics
Classification: Benign for Retinitis pigmentosa 60. Last evaluated: 2022-05-13. Review status: criteria provided, single submitter. Criteria: ACMG Guidelines, 2015. Collection method: clinical testing. Allele origin: unknown.

Illumina Laboratory Services, Illumina
Classification: Benign for Retinitis pigmentosa. Last evaluated: 2018-01-13. Review status: criteria provided, single submitter. Criteria: ICSL Variant Classification Criteria 13 December 2019. Collection method: clinical testing. Allele origin: germline.
Comment: This variant was observed in the ICSL laboratory as part of a predisposition screen in an ostensibly healthy population. It had not been previously curated by ICSL or reported in the Human Gene Mutation Database (HGMD: prior to June 1st, 2018), and was therefore a candidate for classification through an automated scoring system. Utilizing variant allele frequency, disease prevalence and penetrance estimates, and inheritance mode, an automated score was calculated to assess if this variant is too frequent to cause the disease. Based on the score and internal cut-off values, a variant classified as benign is not then subjected to further curation. The score for this variant resulted in a classification of benign for this disease.

Breakthrough Genomics
Classification: Benign. Review status: criteria provided, single submitter. Criteria: ACMG Guidelines, 2015. Collection method: not provided. Allele origin: germline. Inheritance: Autosomal dominant inheritance. Affected: yes.

NM_012469.4(PRPF6):c.120A>G (p.Ala40=)

Gene: PRPF6 (pre-mRNA processing factor 6; plus strand). Cytogenetic location: 20q13.33.
Variant type: single nucleotide variant.
Coding change: c.120A>G on transcript NM_012469.4 (MANE Select); coding-DNA position 120, A replaced by G.
Protein change: p.Ala40=; no amino-acid change (alanine 40 retained).
Molecular consequence: synonymous variant.
Genome position (GRCh38, 1-based): chr20:63,983,095, A>G. VCF-style: chr20-63983095-A-G. GRCh37 (hg19) VCF-style: chr20-62614448-A-G.
Identifiers: ClinVar variation 339464 (VCV000339464.17), dbSNP rs34062309, ClinGen allele CA9971813.